The following is an entry in ClinVar:

ClinVar aggregate classification (germline): Pathogenic (1 of 4 stars; one submission).

Conditions:
Neuronal ceroid lipofuscinosis 2. Also called: TPP1-Related Neuronal Ceroid-Lipofuscinosis; JANSKY-BIELSCHOWSKY DISEASE NEURONAL CEROID LIPOFUSCINOSIS, LATE INFANTILE. Identifiers: Orphanet 168491, Orphanet 228349, Orphanet 79264, MedGen C1876161, MONDO:0008769, OMIM 204500.

Submission:

Myriad Genetics, Inc.
Classification: Pathogenic for Neuronal ceroid lipofuscinosis 2. Last evaluated: 2024-12-05. Review status: criteria provided, single submitter. Criteria: Myriad Autosomal Dominant, Autosomal Recessive and X-Linked Classification Criteria (2023). Collection method: clinical testing. Allele origin: unknown.
Comment: NM_000391.3(TPP1):c.952_953dupCC(V320Mfs*5) is expected to be pathogenic in the context of TPP1-related neuronal ceroid lipofuscinosis. This variant is predicted to lead to an abnormal or absent protein product due to the creation of a premature termination codon in TPP1, a gene where loss-of-function variants are known to be pathogenic. Please note: this variant was assessed in the context of healthy population screening.

NM_000391.4(TPP1):c.952_953dup (p.Val320fs)

Gene: TPP1 (tripeptidyl peptidase 1; minus strand). Cytogenetic location: 11p15.4.
Variant type: Duplication.
Coding change: c.952_953dup on transcript NM_000391.4 (MANE Select); coding-DNA positions 952 to 953, 2 bases duplicated (CC; older notation c.952_953dupCC).
Protein change: p.Val320fs; shifts the reading frame from valine 320.
Molecular consequence: frameshift variant.
Genome position (GRCh38, 1-based): chr11:6,616,437-6,616,438, GG duplicated on the plus strand (CC on the coding strand, the reverse complement: TPP1 is on the minus strand). VCF-style (leftmost placement, unchanged base first): chr11-6616436-T-TGG. GRCh37 (hg19) VCF-style: chr11-6637667-T-TGG.
Other names: short protein forms V320fs.
Identifiers: ClinVar variation 5013838 (VCV005013838.1).
Genomic context (GRCh38, chr11:6,616,436, plus strand): 5'-CTGGATGTAGGCGCTGCTGAGGGAGTCCTCATCATCTCCATAGCTCACAGTATGCACATG[T>TGG]GGCAGGGCTGACTCATTACTGAGCAGCATGAGCCACTGCAGGAAGGGCTCCTGTCCCTCA-3'